The following is an entry in ClinVar:

ClinVar aggregate classification (germline): Uncertain significance (1 of 4 stars; one submission).

Allele frequency attached by ClinVar (database versions not stated): gnomAD exomes 0.00001 and 0.00003; ExAC 0.00002.
gnomAD v4.1: 7 of 1,210,958 alleles (0.00058%); highest among the groups gnomAD compares: Admixed American, 0.015%; no homozygotes.

Submission:

Labcorp Genetics (formerly Invitae), Labcorp
Classification: Uncertain significance. Last evaluated: 2023-07-07. Review status: criteria provided, single submitter. Criteria: Invitae Variant Classification Sherloc (09022015). Collection method: clinical testing. Allele origin: germline.
Comment: This sequence change replaces serine, which is neutral and polar, with arginine, which is basic and polar, at codon 28 of the NDP protein (p.Ser28Arg). This variant is present in population databases (rs747904096, gnomAD 0.02%). This variant has not been reported in the literature in individuals affected with NDP-related conditions. ClinVar contains an entry for this variant (Variation ID: 1042715). Advanced modeling of protein sequence and biophysical properties (such as structural, functional, and spatial information, amino acid conservation, physicochemical variation, residue mobility, and thermodynamic stability) has been performed at Invitae for this missense variant, however the output from this modeling did not meet the statistical confidence thresholds required to predict the impact of this variant on NDP protein function. In summary, the available evidence is currently insufficient to determine the role of this variant in disease. Therefore, it has been classified as a Variant of Uncertain Significance.

NM_000266.4(NDP):c.84C>G (p.Ser28Arg)

Genes: NDP (norrin cystine knot growth factor NDP; minus strand), NDP-AS1 (NDP antisense RNA 1; plus strand). Cytogenetic location: Xp11.3.
Variant type: single nucleotide variant.
Coding change: c.84C>G on transcript NM_000266.4 (MANE Select); coding-DNA position 84, C replaced by G.
Protein change: p.Ser28Arg; replaces serine 28 with arginine.
Molecular consequence: missense variant.
Genome position (GRCh38, 1-based): chrX:43,958,562, G>C on the plus strand (C>G on the coding strand, the complement: NDP is on the minus strand). VCF-style: chrX-43958562-G-C. GRCh37 (hg19) VCF-style: chrX-43817808-G-C.
Other names: short protein forms S28R.
Identifiers: ClinVar variation 1042715 (VCV001042715.6), dbSNP rs747904096, ClinGen allele CA10391447.